The following is an entry in ClinVar:

NM_006005.3(WFS1):c.1633G>A (p.Val545Met)

Gene: WFS1 (wolframin ER transmembrane glycoprotein; plus strand). Cytogenetic location: 4p16.1.
Variant type: single nucleotide variant.
Coding change: c.1633G>A on transcript NM_006005.3 (MANE Select); coding-DNA position 1633, G replaced by A.
Protein change: p.Val545Met; replaces valine 545 with methionine.
Molecular consequence: missense variant.
Genome position (GRCh38, 1-based): chr4:6,301,428, G>A. VCF-style: chr4-6301428-G-A. GRCh37 (hg19) VCF-style: chr4-6303155-G-A.
Other names: p.V545M:GTG>ATG; c.1633G>A, p.Val545Met (NM_001145853.1); short protein forms V545M.
Identifiers: ClinVar variation 215391 (VCV000215391.24), dbSNP rs201993978, ClinGen allele CA320502.
Genomic context (GRCh38, chr4:6,301,428, plus strand): 5'-AAGGGCACCTACTGCTACCTTGTGCCCTACCTGGTGTGCTTCATGTGGTGTGAGCTCTCC[G>A]TGGTCATCCTGCTGGAGTCCACCGGCCTGGGGCTGCTCCGCGCCTCCATCGGCTACTTCC-3'
Protein context (NP_005996.2, residues 535-555): LVCFMWCELS[Val545Met]VILLESTGLG

ClinVar aggregate classification (germline): Uncertain significance. Review status: criteria provided, multiple submitters, no conflicts (2 of 4 stars). 9 submissions from 9 submitters: Uncertain significance (9). Last evaluated 2025-12-08.

Conditions:
WFS1-related disorder. Identifiers: MedGen CN379391, MONDO:0700293.
Autosomal dominant nonsyndromic hearing loss 6 (LFSNHL). Also called: Autosomal dominant nonsyndromic deafness 6; DEAFNESS, AUTOSOMAL DOMINANT 6; DEAFNESS, AUTOSOMAL DOMINANT 14; DEAFNESS, AUTOSOMAL DOMINANT 38. Identifiers: Orphanet 90635, MedGen C1833021, MONDO:0010963, OMIM 600965.
Type 2 diabetes mellitus. Also called: Type II diabetes mellitus. Identifiers: MedGen C0011860, MeSH D003924, MONDO:0005148, OMIM 125853, HP:0005978.
Wolfram-like syndrome. Also called: HEARING LOSS, PROGRESSIVE, WITH OPTIC ATROPHY AND/OR IMPAIRED GLUCOSE REGULATION. Identifiers: Orphanet 411590, MedGen C3280358, MONDO:0013673, OMIM 614296.
Cataract 41 (CTRCT41). Also called: CATARACT 41, CONGENITAL NUCLEAR TYPE. Identifiers: Orphanet 91492, Orphanet 98991, Orphanet 98992, Orphanet 98995, MedGen C3805412, MONDO:0007287, OMIM 116400.
Wolfram syndrome 1 (WFS1). Identifiers: Orphanet 3463, MedGen C4551693, MONDO:0009101, OMIM 222300.
Hereditary ataxia. Also called: Hereditary Ataxias. Identifiers: Orphanet 183518, MedGen C0004138, MONDO:0100309, MONDO:0000557.

Allele frequency attached by ClinVar (database versions not stated): gnomAD exomes 0.00009; TOPMed 0.00009; ExAC 0.00007; gnomAD 0.00007.
gnomAD v4.1: 313 of 1,612,284 alleles (0.019%); highest among the groups gnomAD compares: Non-Finnish European, 0.024%; no homozygotes.

Submissions (9):

Labcorp Genetics (formerly Invitae), Labcorp
Classification: Uncertain significance. Last evaluated: 2025-12-08. Review status: criteria provided, single submitter. Criteria: Invitae Variant Classification Sherloc (09022015). Collection method: clinical testing. Allele origin: germline.
Comment: This sequence change replaces valine, which is neutral and non-polar, with methionine, which is neutral and non-polar, at codon 545 of the WFS1 protein (p.Val545Met). This variant is present in population databases (rs201993978, gnomAD 0.01%). This missense change has been observed in individual(s) with clinical features of Wolfram-like syndrome (PMID: 29563951). ClinVar contains an entry for this variant (Variation ID: 215391). Invitae Evidence Modeling of protein sequence and biophysical properties (such as structural, functional, and spatial information, amino acid conservation, physicochemical variation, residue mobility, and thermodynamic stability) indicates that this missense variant is not expected to disrupt WFS1 protein function with a negative predictive value of 95%. In summary, the available evidence is currently insufficient to determine the role of this variant in disease. Therefore, it has been classified as a Variant of Uncertain Significance.

PreventionGenetics, part of Exact Sciences
Classification: Uncertain significance for WFS1-related condition. Last evaluated: 2025-05-28. Review status: criteria provided, single submitter. Criteria: ACMG Guidelines, 2015. Collection method: clinical testing. Allele origin: germline.
Comment: The WFS1 c.1633G>A variant is predicted to result in the amino acid substitution p.Val545Met. This variant was reported without a second potentially causative variant in an individual with optic atrophy, diabetes and ataxia (Galvez-Ruiz et al. 2018. PubMed ID: 29563951). This variant is reported in 0.015% of alleles in individuals of European (Non-Finnish) descent in gnomAD. At this time, the clinical significance of this variant is uncertain due to the absence of conclusive functional and genetic evidence.

Blueprint Genetics
Classification: Uncertain significance. Last evaluated: 2024-05-16. Review status: criteria provided, single submitter. Criteria: ACMG Guidelines, 2015. Collection method: clinical testing. Allele origin: germline.

GeneDx
Classification: Uncertain significance. Last evaluated: 2024-01-16. Review status: criteria provided, single submitter. Criteria: GeneDx Variant Classification Process June 2021. Collection method: clinical testing. Allele origin: germline. Affected: yes.
Comment: Reported heterozygous in an individual with Wolfram syndrome in whom a second variant was not described (PMID: 29563951); In silico analysis supports that this missense variant does not alter protein structure/function; This variant is associated with the following publications: (PMID: 29563951, 37713394)

Fulgent Genetics
Classification: Uncertain significance for Cataract 41; Type 2 diabetes mellitus; Wolfram syndrome 1; Autosomal dominant nonsyndromic hearing loss 6; Wolfram-like syndrome. Last evaluated: 2022-04-14. Review status: criteria provided, single submitter. Criteria: ACMG Guidelines, 2015. Collection method: clinical testing. Allele origin: unknown.

Department of Pathology and Laboratory Medicine, Sinai Health System
Classification: Uncertain significance for Cataract 41; Type 2 diabetes mellitus; Wolfram syndrome 1; Autosomal dominant nonsyndromic hearing loss 6; Wolfram-like syndrome. Last evaluated: 2021-07-30. Review status: criteria provided, single submitter. Criteria: ACMG Guidelines, 2015. Collection method: research. Allele origin: germline.

Cambridge Genomics Laboratory, East Genomic Laboratory Hub, NHS Genomic Medicine Service
Classification: Uncertain significance for Hereditary ataxia. Last evaluated: 2019-04-17. Review status: criteria provided, single submitter. Criteria: ACGS Best Practice Guidelines for Variant Classification in Rare Disease 2020. Collection method: clinical testing. Allele origin: germline. Affected: yes. Observed: 1 variant allele.

Laboratory for Molecular Medicine, Mass General Brigham Personalized Medicine
Classification: Uncertain significance. Last evaluated: 2018-08-30. Review status: criteria provided, single submitter. Criteria: LMM Criteria. Collection method: clinical testing. Allele origin: germline. Observed: 3 variant alleles.
Comment: It has also been identified in 0.01% (18/126656) of Eur opean chromosomes by gnomAD, and has been rep orted in ClinVar (Variation ID 215391). Computational prediction tools and conse rvation analysis do not provide strong support for or against an impact to the p rotein. In summary, the clinical significance of the p.Val545Met is uncertain. A CMG/AMP Criteria applied: PM2_Supporting.

Eurofins Ntd Llc (ga)
Classification: Uncertain significance. Last evaluated: 2018-02-27. Review status: criteria provided, single submitter. Criteria: EGL ClinVar v180209 classification definitions. Collection method: clinical testing. Allele origin: germline. Observed: 2 variant alleles, 2 heterozygotes.

Literature cited by the submitters: PubMed 29563951 (cited by Labcorp Genetics (formerly Invitae), Labcorp).